The following is an entry in ClinVar:

ClinVar aggregate classification (germline): Uncertain significance. Review status: criteria provided, multiple submitters, no conflicts (2 of 4 stars). 2 submissions from 2 submitters: Uncertain significance (2). Last evaluated 2025-10-13.

Allele frequency attached by ClinVar (database versions not stated): ExAC 0.00002; TOPMed 0.00002; gnomAD exomes 0.00004; gnomAD 0.00007.
gnomAD v4.1: 69 of 1,614,058 alleles (0.0043%); highest among the groups gnomAD compares: Middle Eastern, 0.066%; no homozygotes.

Submissions (2):

Labcorp Genetics (formerly Invitae), Labcorp
Classification: Uncertain significance. Last evaluated: 2025-10-13. Review status: criteria provided, single submitter. Criteria: Invitae Variant Classification Sherloc (09022015). Collection method: clinical testing. Allele origin: germline.
Comment: This sequence change replaces arginine, which is basic and polar, with tryptophan, which is neutral and slightly polar, at codon 823 of the MICAL1 protein (p.Arg823Trp). This variant is present in population databases (rs748384478, gnomAD 0.02%). This variant has not been reported in the literature in individuals affected with MICAL1-related conditions. ClinVar contains an entry for this variant (Variation ID: 1365615). An algorithm developed to predict the effect of missense changes on protein structure and function (PolyPhen-2) suggests that this variant is likely to be tolerated. In summary, the available evidence is currently insufficient to determine the role of this variant in disease. Therefore, it has been classified as a Variant of Uncertain Significance.

Ambry Genetics
Classification: Uncertain significance. Last evaluated: 2025-03-27. Review status: criteria provided, single submitter. Criteria: Ambry Variant Classification Scheme 2023. Collection method: clinical testing. Allele origin: germline.

NM_022765.4(MICAL1):c.2410C>T (p.Arg804Trp)

Gene: MICAL1 (microtubule associated monooxygenase, calponin and LIM domain containing 1; minus strand). Cytogenetic location: 6q21.
Variant type: single nucleotide variant.
Coding change: c.2410C>T on transcript NM_022765.4 (MANE Select); coding-DNA position 2410, C replaced by T.
Protein change: p.Arg804Trp; replaces arginine 804 with tryptophan.
Molecular consequence: missense variant.
Genome position (GRCh38, 1-based): chr6:109,446,307, G>A on the plus strand (C>T on the coding strand, the complement: MICAL1 is on the minus strand). VCF-style: chr6-109446307-G-A. GRCh37 (hg19) VCF-style: chr6-109767510-G-A.
Other names: c.2410C>T (NM_022765.3); c.2152C>T, p.Arg718Trp (NM_001159291.2); c.2467C>T, p.Arg823Trp (NM_001286613.2); short protein forms R718W, R804W, R823W.
Identifiers: ClinVar variation 1365615 (VCV001365615.7), dbSNP rs748384478, ClinGen allele CA3952906.